The following is an entry in ClinVar:

ClinVar aggregate classification (germline): Likely benign. Review status: criteria provided, multiple submitters, no conflicts (2 of 4 stars). 2 submissions from 2 submitters: Likely benign (2). Last evaluated 2024-11-19.

Conditions:
RYR1-related disorder. Also called: RYR1-related condition; RYR1-related disorders. Identifiers: MedGen CN239331.
Malignant hyperthermia, susceptibility to, 1 (MHS1). Also called: Anesthesia related hyperthermia; Malignant hyperpyrexia; Fulminating hyperpyrexia; Pharmacogenic myopathy; RYR1-Related Malignant Hyperthermia Susceptibility; Malignant hyperthermia suceptibility 1. Identifiers: Orphanet 423, MedGen C2930980, MONDO:0007783, OMIM 145600.

gnomAD v4.1: 2 of 1,605,806 alleles (0.00012%); highest among the groups gnomAD compares: Non-Finnish European, 0.00017%; no homozygotes.

Submissions (2):

Labcorp Genetics (formerly Invitae), Labcorp
Classification: Likely benign for RYR1-related disorder. Last evaluated: 2024-11-19. Review status: criteria provided, single submitter. Criteria: Invitae Variant Classification Sherloc (09022015). Collection method: clinical testing. Allele origin: germline.

All of Us Research Program, National Institutes of Health
Classification: Likely benign for Malignant hyperthermia, susceptibility to, 1. Last evaluated: 2023-08-15. Review status: criteria provided, single submitter. Criteria: ACMG Guidelines, 2015. Collection method: clinical testing. Allele origin: germline. Inheritance: Autosomal dominant inheritance. Observed: 3 variant alleles, 3 heterozygotes.
Comment: This study involves interpretation of variants in research participants for the purpose of population health screening. Participant phenotype was not available at the time of variant classification. Additional details can be found in publication PMID: 35346344, PMCID: PMC8962531

NM_000540.3(RYR1):c.10485G>A (p.Lys3495=)

Gene: RYR1 (ryanodine receptor 1; plus strand). Cytogenetic location: 19q13.2.
Variant type: single nucleotide variant.
Coding change: c.10485G>A on transcript NM_000540.3 (MANE Select); coding-DNA position 10485, G replaced by A.
Protein change: p.Lys3495=; no amino-acid change (lysine 3495 retained).
Molecular consequence: synonymous variant.
Genome position (GRCh38, 1-based): chr19:38,525,361, G>A. VCF-style: chr19-38525361-G-A. GRCh37 (hg19) VCF-style: chr19-39016001-G-A.
Other names: c.10470G>A, p.Lys3490= (NM_001042723.2).
Identifiers: ClinVar variation 3071144 (VCV003071144.3), dbSNP rs753726014, ClinGen allele CA079909.